The following is an entry in ClinVar:

ClinVar aggregate classification (germline): Pathogenic/Likely pathogenic. Review status: criteria provided, multiple submitters, no conflicts (2 of 4 stars). 2 submissions from 2 submitters: Pathogenic (1); Likely pathogenic (1). Last evaluated 2023-12-08.

Conditions:
TSC2-related disorder. Also called: TSC2-Related Disorders; TSC2-related condition.
Tuberous sclerosis 2 (TSC2). Identifiers: Orphanet 805, MedGen C1860707, MONDO:0013199, OMIM 613254.

Submissions (2):

Labcorp Genetics (formerly Invitae), Labcorp
Classification: Pathogenic for Tuberous sclerosis 2. Last evaluated: 2023-12-08. Review status: criteria provided, single submitter. Criteria: Invitae Variant Classification Sherloc (09022015). Collection method: clinical testing. Allele origin: germline.
Comment: This sequence change affects an acceptor splice site in intron 9 of the TSC2 gene. It is expected to disrupt RNA splicing. Variants that disrupt the donor or acceptor splice site typically lead to a loss of protein function (PMID: 16199547), and loss-of-function variants in TSC2 are known to be pathogenic (PMID: 10205261, 17304050). This variant is not present in population databases (gnomAD no frequency). Disruption of this splice site has been observed in individuals with tuberous sclerosis complex (PMID: 10735580; Invitae). Algorithms developed to predict the effect of sequence changes on RNA splicing suggest that this variant may disrupt the consensus splice site. For these reasons, this variant has been classified as Pathogenic.

Blueprint Genetics
Classification: Likely pathogenic for TSC2-related disorders. Last evaluated: 2018-11-28. Review status: criteria provided, single submitter. Criteria: ACMG Guidelines, 2015. Collection method: clinical testing. Allele origin: germline. Affected: yes. Observed: 1 variant allele.

Literature cited by the submitters: PubMed 16199547 (cited by Labcorp Genetics (formerly Invitae), Labcorp); PubMed 10205261 (cited by Labcorp Genetics (formerly Invitae), Labcorp); PubMed 17304050 (cited by Labcorp Genetics (formerly Invitae), Labcorp); PubMed 10735580 (cited by Labcorp Genetics (formerly Invitae), Labcorp).

NM_000548.5(TSC2):c.849-2A>C

Gene: TSC2 (TSC complex subunit 2; plus strand). Cytogenetic location: 16p13.3.
Variant type: single nucleotide variant.
Coding change: c.849-2A>C on transcript NM_000548.5 (MANE Select); the canonical splice acceptor site of the intron before coding-DNA position 849, A replaced by C.
Molecular consequence: splice acceptor variant.
Genome position (GRCh38, 1-based): chr16:2,058,745, A>C. VCF-style: chr16-2058745-A-C. GRCh37 (hg19) VCF-style: chr16-2108746-A-C.
Other names: c.-583-2A>C (NM_001406693.1, NM_001406689.1, NM_001406690.1 and 4 more transcripts); c.939-2A>C (NM_001406667.1, NM_001406668.1); c.249-2A>C (NM_001406680.1, NM_001406683.1, NM_001406687.1 and 6 more transcripts); c.-759-2A>C (NM_001406698.1); c.849-2A>C (NM_001114382.3, NM_001406663.1, NM_001406664.1 and 6 more transcripts); c.-464-2A>C (NM_001406694.1, NM_001406695.1); c.837-2A>C (NM_001406671.1, NM_001406673.1); c.387-2A>C (NM_001406681.1); and 4 more.
Identifiers: ClinVar variation 2701409 (VCV002701409.4), dbSNP rs45517134, ClinGen allele CA394314862.